The following is an entry in ClinVar:

NM_002460.4(IRF4):c.328C>A (p.Leu110Met)

Gene: IRF4 (interferon regulatory factor 4; plus strand). Cytogenetic location: 6p25.3.
Variant type: single nucleotide variant.
Coding change: c.328C>A on transcript NM_002460.4 (MANE Select); coding-DNA position 328, C replaced by A.
Protein change: p.Leu110Met; replaces leucine 110 with methionine.
Molecular consequence: missense variant. On other transcripts: non-coding transcript variant (1).
Genome position (GRCh38, 1-based): chr6:394,932, C>A. VCF-style: chr6-394932-C-A. GRCh37 (hg19) VCF-style: chr6-394932-C-A.
Other names: c.328C>A (NM_002460.3); c.328C>A, p.Leu110Met (NM_001195286.2); short protein forms L110M.
Identifiers: ClinVar variation 2889516 (VCV002889516.4), dbSNP rs374588785, ClinGen allele CA3612660.

ClinVar aggregate classification (germline): Uncertain significance. Review status: criteria provided, single submitter (1 of 4 stars). 2 submissions from 2 submitters: Uncertain significance (1). 1 of the submissions does not count toward it. Last evaluated 2023-04-12.

Conditions:
IRF4-related disorder. Also called: IRF4-related condition.

Allele frequency attached by ClinVar (database versions not stated): TOPMed below 0.00001; ExAC 0.00001; gnomAD 0.00001; gnomAD exomes 0.00004; ESP Exome Variant Server 0.00008.
gnomAD v4.1: 58 of 1,614,106 alleles (0.0036%); highest among the groups gnomAD compares: Non-Finnish European, 0.0046%; no homozygotes.

Submissions (2):

Labcorp Genetics (formerly Invitae), Labcorp
Classification: Uncertain significance. Last evaluated: 2023-04-12. Review status: criteria provided, single submitter. Criteria: Invitae Variant Classification Sherloc (09022015). Collection method: clinical testing. Allele origin: germline.
Comment: This sequence change replaces leucine, which is neutral and non-polar, with methionine, which is neutral and non-polar, at codon 110 of the IRF4 protein (p.Leu110Met). This variant is present in population databases (rs374588785, gnomAD 0.004%). This variant has not been reported in the literature in individuals affected with IRF4-related conditions. An algorithm developed to predict the effect of missense changes on protein structure and function (PolyPhen-2) suggests that this variant is likely to be disruptive. In summary, the available evidence is currently insufficient to determine the role of this variant in disease. Therefore, it has been classified as a Variant of Uncertain Significance.

PreventionGenetics, part of Exact Sciences
Classification: Uncertain significance for IRF4-related condition. Last evaluated: 2024-08-27. Review status: no assertion criteria provided. Collection method: clinical testing. Allele origin: germline. Not counted in ClinVar's aggregate classification.
Comment: The IRF4 c.328C>A variant is predicted to result in the amino acid substitution p.Leu110Met. To our knowledge, this variant has not been reported in the literature. This variant is reported in 0.0035% of alleles in individuals of European (Non-Finnish) descent in gnomAD. At this time, the clinical significance of this variant is uncertain due to the absence of conclusive functional and genetic evidence.